The following is an entry in ClinVar:

ClinVar aggregate classification (germline): Uncertain significance (1 of 4 stars; one submission).

Conditions:
Hereditary cancer-predisposing syndrome. Also called: Neoplastic Syndromes, Hereditary; Tumor predisposition; Hereditary Cancer Syndrome; Hereditary neoplastic syndrome. Identifiers: Orphanet 140162, MedGen C0027672, MeSH D009386, MONDO:0015356.

Submission:

Ambry Genetics
Classification: Uncertain significance for Hereditary cancer-predisposing syndrome. Last evaluated: 2023-07-20. Review status: criteria provided, single submitter. Criteria: Ambry Variant Classification Scheme 2023. Collection method: clinical testing. Allele origin: germline.
Comment: The c.1235+3A>T intronic variant results from an A to T substitution 3 nucleotides after coding exon 8 in the ATM gene. This nucleotide position is highly conserved in available vertebrate species. In silico splice site analysis predicts that this alteration will weaken the native splice donor site; however, direct evidence is insufficient at this time (Ambry internal data). Since supporting evidence is limited at this time, the clinical significance of this alteration remains unclear.

NM_000051.4(ATM):c.1235+3A>T

Gene: ATM (ATM serine/threonine kinase; plus strand). Cytogenetic location: 11q22.3.
Variant type: single nucleotide variant.
Coding change: c.1235+3A>T on transcript NM_000051.4 (MANE Select); 3 bases into the intron after coding-DNA position 1235, A replaced by T.
Molecular consequence: intron variant.
Genome position (GRCh38, 1-based): chr11:108,249,105, A>T. VCF-style: chr11-108249105-A-T. GRCh37 (hg19) VCF-style: chr11-108119832-A-T.
Other names: c.1235+3A>T (NM_001351834.2).
Identifiers: ClinVar variation 1756545 (VCV001756545.3), dbSNP rs1417190414, ClinGen allele CA2580083763.